The following is an entry in ClinVar:

NM_031372.4(HNRNPDL):c.407C>T (p.Ser136Phe)

Gene: HNRNPDL (heterogeneous nuclear ribonucleoprotein D like; minus strand). Cytogenetic location: 4q21.22.
Variant type: single nucleotide variant.
Coding change: c.407C>T on transcript NM_031372.4 (MANE Select); coding-DNA position 407, C replaced by T.
Protein change: p.Ser136Phe; replaces serine 136 with phenylalanine.
Molecular consequence: missense variant. On other transcripts: non-coding transcript variant (1).
Genome position (GRCh38, 1-based): chr4:82,429,284, G>A on the plus strand (C>T on the coding strand, the complement: HNRNPDL is on the minus strand). VCF-style: chr4-82429284-G-A. GRCh37 (hg19) VCF-style: chr4-83350437-G-A.
Other names: c.407C>T (NM_031372.3); c.407C>T, p.Ser136Phe (NM_001207000.1); short protein forms S136F.
Identifiers: ClinVar variation 2081762 (VCV002081762.6), dbSNP rs761016544, ClinGen allele CA2985018.

ClinVar aggregate classification (germline): Uncertain significance. Review status: criteria provided, multiple submitters, no conflicts (2 of 4 stars). 2 submissions from 2 submitters: Uncertain significance (2). Last evaluated 2023-12-05.

Conditions:
Autosomal dominant limb-girdle muscular dystrophy type 1G (LGMDD3). Also called: Limb-girdle muscular dystrophy, type 1G; MUSCULAR DYSTROPHY, LIMB-GIRDLE, AUTOSOMAL DOMINANT 3. Identifiers: Orphanet 55596, MedGen C1836765, MONDO:0012193, OMIM 609115.

Allele frequency attached by ClinVar (database versions not stated): ExAC 0.00001; gnomAD exomes 0.00001; TOPMed 0.00003.
gnomAD v4.1: 19 of 1,613,770 alleles (0.0012%); highest among the groups gnomAD compares: Admixed American, 0.0017%; no homozygotes.

Submissions (2):

Labcorp Genetics (formerly Invitae), Labcorp
Classification: Uncertain significance for Autosomal dominant limb-girdle muscular dystrophy type 1G. Last evaluated: 2023-12-05. Review status: criteria provided, single submitter. Criteria: Invitae Variant Classification Sherloc (09022015). Collection method: clinical testing. Allele origin: germline.
Comment: This sequence change replaces serine, which is neutral and polar, with phenylalanine, which is neutral and non-polar, at codon 136 of the HNRNPDL protein (p.Ser136Phe). This variant is present in population databases (rs761016544, gnomAD 0.002%). This variant has not been reported in the literature in individuals affected with HNRNPDL-related conditions. ClinVar contains an entry for this variant (Variation ID: 2081762). An algorithm developed to predict the effect of missense changes on protein structure and function (PolyPhen-2) suggests that this variant is likely to be tolerated. In summary, the available evidence is currently insufficient to determine the role of this variant in disease. Therefore, it has been classified as a Variant of Uncertain Significance.

Ambry Genetics
Classification: Uncertain significance. Last evaluated: 2023-07-19. Review status: criteria provided, single submitter. Criteria: Ambry Variant Classification Scheme 2023. Collection method: clinical testing. Allele origin: germline.